The following is an entry in ClinVar:

NM_015450.3(POT1):c.1013C>T (p.Thr338Ile)

Gene: POT1 (protection of telomeres 1; minus strand). Cytogenetic location: 7q31.33.
Variant type: single nucleotide variant.
Coding change: c.1013C>T on transcript NM_015450.3 (MANE Select); coding-DNA position 1013, C replaced by T.
Protein change: p.Thr338Ile; replaces threonine 338 with isoleucine.
Molecular consequence: missense variant. On other transcripts: non-coding transcript variant (3).
Genome position (GRCh38, 1-based): chr7:124,842,957, G>A on the plus strand (C>T on the coding strand, the complement: POT1 is on the minus strand). VCF-style: chr7-124842957-G-A. GRCh37 (hg19) VCF-style: chr7-124483011-G-A.
Other names: c.620C>T, p.Thr207Ile (NM_001042594.2); short protein forms T338I, T207I.
Identifiers: ClinVar variation 576759 (VCV000576759.12), dbSNP rs1562981991, ClinGen allele CA369068641.

ClinVar aggregate classification (germline): Uncertain significance. Review status: criteria provided, multiple submitters, no conflicts (2 of 4 stars). 2 submissions from 2 submitters: Uncertain significance (2). Last evaluated 2026-01-26.

Conditions:
Hereditary cancer-predisposing syndrome. Also called: Tumor predisposition; Neoplastic Syndromes, Hereditary; Hereditary neoplastic syndrome; Hereditary Cancer Syndrome. Identifiers: Orphanet 140162, MedGen C0027672, MeSH D009386, MONDO:0015356.
Tumor predisposition syndrome 3 (TPDS3). Also called: Melanoma, cutaneous malignant, susceptibility to, 10; LONG TELOMERE SYNDROME, POT1-RELATED; POT1 Tumor Predisposition; Glioma susceptibility 9. Identifiers: Orphanet 618, MedGen C4014476, MONDO:0014368, OMIM 615848.

Submissions (2):

Labcorp Genetics (formerly Invitae), Labcorp
Classification: Uncertain significance for Tumor predisposition syndrome 3. Last evaluated: 2026-01-26. Review status: criteria provided, single submitter. Criteria: Invitae Variant Classification Sherloc (09022015). Collection method: clinical testing. Allele origin: germline.
Comment: This sequence change replaces threonine, which is neutral and polar, with isoleucine, which is neutral and non-polar, at codon 338 of the POT1 protein (p.Thr338Ile). This variant is not present in population databases (gnomAD no frequency). This variant has not been reported in the literature in individuals affected with POT1-related conditions. ClinVar contains an entry for this variant (Variation ID: 576759). Invitae Evidence Modeling of protein sequence and biophysical properties (such as structural, functional, and spatial information, amino acid conservation, physicochemical variation, residue mobility, and thermodynamic stability) indicates that this missense variant is not expected to disrupt POT1 protein function with a negative predictive value of 80%. In summary, the available evidence is currently insufficient to determine the role of this variant in disease. Therefore, it has been classified as a Variant of Uncertain Significance.

Ambry Genetics
Classification: Uncertain significance for Hereditary cancer-predisposing syndrome. Last evaluated: 2023-10-06. Review status: criteria provided, single submitter. Criteria: Ambry Variant Classification Scheme 2023. Collection method: clinical testing. Allele origin: germline.
Comment: The p.T338I variant (also known as c.1013C>T), located in coding exon 9 of the POT1 gene, results from a C to T substitution at nucleotide position 1013. The threonine at codon 338 is replaced by isoleucine, an amino acid with similar properties. This amino acid position is conserved. In addition, the in silico prediction for this alteration is inconclusive. Since supporting evidence is limited at this time, the clinical significance of this alteration remains unclear.